The following is an entry in ClinVar:

ClinVar aggregate classification (germline): Pathogenic. Review status: criteria provided, single submitter (1 of 4 stars). 3 submissions from 3 submitters: Pathogenic (1). 2 of the submissions do not count toward it. Last evaluated 2025-06-15.

Conditions:
Neuromuscular disease. Also called: Neuromuscular disorder; Neuromyopathy. Identifiers: Orphanet 68381, MedGen C0027868, MeSH D009468, MONDO:0019056.
Skeletal dysplasia. Also called: Primary bone dysplasia. Identifiers: Orphanet 364526, MedGen C0410528, MONDO:0018230, HP:0002652.
Charcot-Marie-Tooth disease axonal type 2C (HMSN2C). Also called: Charcot-Marie-Tooth Disease Type 2, TRPV4-Related (CMT2C); CHARCOT-MARIE-TOOTH DISEASE, AXONAL, AUTOSOMAL DOMINANT, TYPE 2C; Charcot-Marie-Tooth Neuropathy Type 2C. Identifiers: Orphanet 99937, MedGen C1853710, MONDO:0011633, OMIM 606071.
Spondylometaphyseal dysplasia, Kozlowski type (SMDK). Also called: Dysmorphism arthrogryposis skeletal maturation advanced; Jequier-Kozlowski syndrome; Skeletal dysplasia Jequier-Kozlowski type; SMD Kozlowski type; Spondylometaphyseal Dysplasia, TRPV4-Related (Kozlowski Type). Identifiers: Orphanet 93314, MedGen C0265280, MONDO:0008477, OMIM 184252.

Submissions (3):

Labcorp Genetics (formerly Invitae), Labcorp
Classification: Pathogenic for Charcot-Marie-Tooth disease axonal type 2C. Last evaluated: 2025-06-15. Review status: criteria provided, single submitter. Criteria: Invitae Variant Classification Sherloc (09022015). Collection method: clinical testing. Allele origin: germline.
Comment: This sequence change replaces glutamic acid, which is acidic and polar, with lysine, which is basic and polar, at codon 278 of the TRPV4 protein (p.Glu278Lys). This variant is not present in population databases (gnomAD no frequency). This missense change has been observed in individuals with spondylometaphyseal dysplasia and skeletal dysplasia with peripheral neuropathy (PMID: 20577006, 22419508). ClinVar contains an entry for this variant (Variation ID: 18434). Invitae Evidence Modeling of protein sequence and biophysical properties (such as structural, functional, and spatial information, amino acid conservation, physicochemical variation, residue mobility, and thermodynamic stability) has been performed for this missense variant. However, the output from this modeling did not meet the statistical confidence thresholds required to predict the impact of this variant on TRPV4 protein function. Experimental studies have shown that this missense change affects TRPV4 function (PMID: 22702953). For these reasons, this variant has been classified as Pathogenic.

OMIM
Classification: Pathogenic for SPONDYLOMETAPHYSEAL DYSPLASIA, KOZLOWSKI TYPE. Last evaluated: 2010-10-01. Review status: no assertion criteria provided. Collection method: literature only. Allele origin: germline. Not counted in ClinVar's aggregate classification.

GeneReviews
No classification provided. Condition: Neuromuscular disease; Skeletal dysplasia. Review status: no classification provided. Collection method: literature only. Allele origin: germline. Affected: yes. Not counted in ClinVar's aggregate classification.

Literature cited by the submitters: PubMed 20577006 (cited by Labcorp Genetics (formerly Invitae), Labcorp and OMIM); PubMed 22419508 (cited by Labcorp Genetics (formerly Invitae), Labcorp); PubMed 22702953 (cited by Labcorp Genetics (formerly Invitae), Labcorp); NCBI Bookshelf NBK201366 (cited by GeneReviews).

NM_021625.5(TRPV4):c.832G>A (p.Glu278Lys)

Gene: TRPV4 (transient receptor potential cation channel subfamily V member 4; minus strand). Cytogenetic location: 12q24.11.
Variant type: single nucleotide variant.
Coding change: c.832G>A on transcript NM_021625.5 (MANE Select); coding-DNA position 832, G replaced by A.
Protein change: p.Glu278Lys; replaces glutamic acid 278 with lysine.
Molecular consequence: missense variant. On other transcripts: intron variant (2).
Genome position (GRCh38, 1-based): chr12:109,800,639, C>T on the plus strand (G>A on the coding strand, the complement: TRPV4 is on the minus strand). VCF-style: chr12-109800639-C-T. GRCh37 (hg19) VCF-style: chr12-110238444-C-T.
Other names: c.730G>A, p.Glu244Lys (NM_001177431.2); c.832G>A, p.Glu278Lys (NM_147204.3); c.713-1727G>A (NM_001177433.1, NM_001177428.1); short protein forms E278K, E244K.
Identifiers: ClinVar variation 18434 (VCV000018434.12), dbSNP rs267607148, ClinGen allele CA117193.